The following is an entry in ClinVar:

NM_006035.4(CDC42BPB):c.1508A>T (p.Asp503Val)

Gene: CDC42BPB (CDC42 binding protein kinase beta; minus strand). Cytogenetic location: 14q32.32.
Variant type: single nucleotide variant.
Coding change: c.1508A>T on transcript NM_006035.4 (MANE Select); coding-DNA position 1508, A replaced by T.
Protein change: p.Asp503Val; replaces aspartic acid 503 with valine.
Molecular consequence: missense variant.
Genome position (GRCh38, 1-based): chr14:102,974,149, T>A on the plus strand (A>T on the coding strand, the complement: CDC42BPB is on the minus strand). VCF-style: chr14-102974149-T-A. GRCh37 (hg19) VCF-style: chr14-103440486-T-A.
Other names: c.1508A>T, p.Asp503Val (NM_001411054.1); short protein forms D503V.
Identifiers: ClinVar variation 3829794 (VCV003829794.3).

ClinVar aggregate classification (germline): Uncertain significance. Review status: criteria provided, multiple submitters, no conflicts (2 of 4 stars). 2 submissions from 2 submitters: Uncertain significance (2). Last evaluated 2025-11-14.

Conditions:
Inborn genetic diseases. Identifiers: MedGen C0950123, MeSH D030342.

gnomAD v4.1: 5 of 1,613,134 alleles (0.00031%); highest among the groups gnomAD compares: Admixed American, 0.005%; no homozygotes.

Submissions (2):

Dasa
Classification: Uncertain significance. Last evaluated: 2025-11-14. Review status: criteria provided, single submitter. Criteria: DASA Assertion Criteria. Collection method: clinical testing. Allele origin: germline.
Comment: NM_006035.4(CDC42BPB):c.1508A>T (p.Asp503Val) is a missense variant that results in the substitution of aspartic acid with valine. This variant is rare in population databases. The currently available literature and clinical evidence are not sufficient to establish a definitive association between this variant and the reported condition. Therefore, this variant is classified as a variant of uncertain significance.

Ambry Genetics
Classification: Uncertain significance for Inborn genetic diseases. Last evaluated: 2024-12-14. Review status: criteria provided, single submitter. Criteria: Ambry Variant Classification Scheme 2023. Collection method: clinical testing. Allele origin: germline.